The following is an entry in ClinVar:

NM_000158.4(GBE1):c.292G>C (p.Val98Leu)

Gene: GBE1 (1,4-alpha-glucan branching enzyme 1; minus strand). Cytogenetic location: 3p12.2.
Variant type: single nucleotide variant.
Coding change: c.292G>C on transcript NM_000158.4 (MANE Select); coding-DNA position 292, G replaced by C.
Protein change: p.Val98Leu; replaces valine 98 with leucine.
Molecular consequence: missense variant.
Genome position (GRCh38, 1-based): chr3:81,705,465, C>G on the plus strand (G>C on the coding strand, the complement: GBE1 is on the minus strand). VCF-style: chr3-81705465-C-G. GRCh37 (hg19) VCF-style: chr3-81754616-C-G.
Other names: short protein forms V98L.
Identifiers: ClinVar variation 520678 (VCV000520678.15), dbSNP rs762945205, ClinGen allele CA2500022.
Genomic context (GRCh38, chr3:81,705,465, plus strand): 5'-AAGATATTACTATTTAGTTCAATGCTTTCAAGTACTTACTAAAATCTCCAGTAAGAAAAA[C>G]TCCTTCTGCTCCCGGGGCCCATTCTTTGCAGTATAAACCACCATCAGCACATCTGTGGAC-3'
Protein context (NP_000149.4, residues 88-108): CKEWAPGAEG[Val98Leu]FLTGDFNGWN

ClinVar aggregate classification (germline): Uncertain significance. Review status: criteria provided, multiple submitters, no conflicts (2 of 4 stars). 9 submissions from 7 submitters: Uncertain significance (8). 1 of the submissions does not count toward it. Last evaluated 2024-11-11.

Conditions:
Inborn genetic diseases. Identifiers: MedGen C0950123, MeSH D030342.
Adult polyglucosan body disease (APBN). Also called: GBE1-Adult Polyglucosan Body Disease; POLYGLUCOSAN BODY DISEASE, ADULT FORM. Identifiers: Orphanet 206583, MedGen C1849722, MONDO:0009897, OMIM 263570.
Glycogen storage disease IV, classic hepatic. Also called: GSD IV, CLASSIC HEPATIC. Identifiers: MedGen C1856301.
Glycogen storage disease, type IV (GSD4). Also called: Glycogen storage disease due to glycogen branching enzyme deficiency; AMYLOPECTINOSIS; ANDERSEN DISEASE; BRANCHER DEFICIENCY; CIRRHOSIS, FAMILIAL, WITH DEPOSITION OF ABNORMAL GLYCOGEN; GBE1 DEFICIENCY. Identifiers: Orphanet 367, MedGen C0017923, MONDO:0009292, OMIM 232500.

Allele frequency attached by ClinVar (database versions not stated): gnomAD 0.00002 and 0.00003; TOPMed 0.00003; gnomAD exomes 0.00004 and 0.00006; ExAC 0.00013.
gnomAD v4.1: 97 of 1,593,048 alleles (0.0061%); highest among the groups gnomAD compares: Middle Eastern, 0.31%; no homozygotes.

Submissions (9):

Labcorp Genetics (formerly Invitae), Labcorp
Classification: Uncertain significance for Glycogen storage disease, type IV; Glycogen storage disease IV, classic hepatic. Last evaluated: 2024-11-11. Review status: criteria provided, single submitter. Criteria: Invitae Variant Classification Sherloc (09022015). Collection method: clinical testing. Allele origin: germline.
Comment: This sequence change replaces valine, which is neutral and non-polar, with leucine, which is neutral and non-polar, at codon 98 of the GBE1 protein (p.Val98Leu). This variant is present in population databases (rs762945205, gnomAD 0.007%). This missense change has been observed in individual(s) with glycogen storage disease type IV (PMID: 33782433). ClinVar contains an entry for this variant (Variation ID: 520678). Invitae Evidence Modeling of protein sequence and biophysical properties (such as structural, functional, and spatial information, amino acid conservation, physicochemical variation, residue mobility, and thermodynamic stability) indicates that this missense variant is not expected to disrupt GBE1 protein function with a negative predictive value of 95%. In summary, the available evidence is currently insufficient to determine the role of this variant in disease. Therefore, it has been classified as a Variant of Uncertain Significance.

Blueprint Genetics
Classification: Uncertain significance. Last evaluated: 2024-09-12. Review status: criteria provided, single submitter. Criteria: ACMG Guidelines, 2015. Collection method: clinical testing. Allele origin: germline.

Genome-Nilou Lab
Classification: Uncertain significance for Glycogen storage disease, type IV. Last evaluated: 2021-07-14. Review status: criteria provided, single submitter. Criteria: ACMG Guidelines, 2015. Collection method: clinical testing. Allele origin: germline. Affected: no.

Genome-Nilou Lab
Classification: Uncertain significance for Adult polyglucosan body disease. Last evaluated: 2021-07-14. Review status: criteria provided, single submitter. Criteria: ACMG Guidelines, 2015. Collection method: clinical testing. Allele origin: germline. Affected: no.

Fulgent Genetics
Classification: Uncertain significance for Glycogen storage disease, type IV; Adult polyglucosan body disease. Last evaluated: 2021-07-03. Review status: criteria provided, single submitter. Criteria: ACMG Guidelines, 2015. Collection method: clinical testing. Allele origin: unknown.

Illumina Laboratory Services, Illumina
Classification: Uncertain significance for Adult polyglucosan body disease. Last evaluated: 2017-04-27. Review status: criteria provided, single submitter. Criteria: ICSL Variant Classification Criteria 13 December 2019. Collection method: clinical testing. Allele origin: germline.

Illumina Laboratory Services, Illumina
Classification: Uncertain significance for Glycogen storage disease, type IV. Last evaluated: 2017-04-27. Review status: criteria provided, single submitter. Criteria: ICSL Variant Classification Criteria 13 December 2019. Collection method: clinical testing. Allele origin: germline.

Ambry Genetics
Classification: Uncertain significance for Inborn genetic diseases. Last evaluated: 2015-06-04. Review status: criteria provided, single submitter. Criteria: Ambry exome assertion method (8-5-2015). Collection method: clinical testing. Allele origin: germline. Affected: yes. Observed: 1 variant allele.

Natera, Inc.
Classification: Uncertain significance for Glycogen storage disease type IV. Last evaluated: 2020-09-16. Review status: no assertion criteria provided. Collection method: clinical testing. Allele origin: germline. Not counted in ClinVar's aggregate classification.

Literature cited by the submitters: PubMed 33782433 (cited by Labcorp Genetics (formerly Invitae), Labcorp).